The following is an entry in ClinVar:

NM_000053.4(ATP7B):c.3831_3835delinsC (p.Gln1277fs)

Gene: ATP7B (ATPase copper transporting beta; minus strand). Cytogenetic location: 13q14.3.
Variant type: Indel.
Coding change: c.3831_3835delinsC on transcript NM_000053.4 (MANE Select); coding-DNA positions 3831 to 3835, GGCAG replaced by C.
Protein change: p.Gln1277fs; shifts the reading frame from glutamine 1277.
Molecular consequence: frameshift variant. On other transcripts: intron variant (1).
Genome position (GRCh38, 1-based): chr13:51,937,544-51,937,548, CTGCC replaced by G on the plus strand (GGCAG replaced by C on the coding strand, the reverse complement: ATP7B is on the minus strand). VCF-style: chr13-51937544-CTGCC-G. GRCh37 (hg19) VCF-style: chr13-52511680-CTGCC-G.
Other names: c.3687_3691delinsC, p.Gln1229fs (NM_001406520.1, NM_001406521.1, NM_001406522.1); c.3648_3652delinsC, p.Gln1216fs (NM_001406523.1); c.3654_3658delinsC, p.Gln1218fs (NM_001406524.1); c.3636_3640delinsC, p.Gln1212fs (NM_001406525.1); c.3597_3601delinsC, p.Gln1199fs (NM_001406527.1, NM_001406528.1, NM_001330578.2); c.3384_3388delinsC, p.Gln1128fs (NM_001406540.1); c.3345_3349delinsC, p.Gln1115fs (NM_001406541.1, NM_001406542.1); c.3339_3343delinsC, p.Gln1113fs (NM_001406543.1); and 21 more; short protein forms Q1050fs, Q1061fs, Q1070fs, Q1083fs, Q1113fs, Q1115fs, Q1128fs, Q1134fs.
Identifiers: ClinVar variation 4293981 (VCV004293981.1).
Genomic context (GRCh38, chr13:51,937,544, plus strand): 5'-GGACGACGTCGGCTGCCTCGATGGCCACATCCGTGCCGGTGCCAATGGCCACACCCATGT[CTGCC>G]TGGGCCAAGGCCGGGGAGTCATTGACCCCATCCCCCACCATGGCGACTTTCTTCCCTTTA-3'

ClinVar aggregate classification (germline): Likely pathogenic (1 of 4 stars; one submission).

Conditions:
Wilson disease (WND). Also called: Wilson's disease. Identifiers: Orphanet 905, MedGen C0019202, MONDO:0010200, OMIM 277900. Disease mechanism: loss of function.

Submission:

3billion
Classification: Likely pathogenic for Wilson disease. Last evaluated: 2024-12-20. Review status: criteria provided, single submitter. Criteria: ACMG Guidelines, 2015. Collection method: clinical testing. Allele origin: germline. Affected: yes.
Comment: The variant is not observed in the gnomAD v4.1.0 dataset. Predicted Consequence/Location: Frameshift: predicted to result in a loss or disruption of normal protein function through nonsense-mediated decay (NMD) or protein truncation. Multiple pathogenic variants are reported downstream of the variant. Therefore, this variant is classified as Likely pathogenic according to the recommendation of ACMG/AMP guideline.